The following is an entry in ClinVar:

ClinVar aggregate classification (germline): Pathogenic (1 of 4 stars; one submission).

Conditions:
Familial melanoma. Also called: Hereditary melanoma; Hereditary cutaneous melanoma. Identifiers: Orphanet 618, MedGen C1512419, MONDO:0018961.

Submission:

Labcorp Genetics (formerly Invitae), Labcorp
Classification: Pathogenic for Familial melanoma. Last evaluated: 2024-03-28. Review status: criteria provided, single submitter. Criteria: Invitae Variant Classification Sherloc (09022015). Collection method: clinical testing. Allele origin: germline.
Comment: The CDKN2A gene encodes two different proteins, p16INK4a and p14ARF, which are translated from alternative transcripts with different open reading frames. Both transcripts have been analyzed. We report either the variant with the higher classification or default to the CDKN2A (p16INK4a) variant. This report therefore includes the details for the CDKN2A (p16INK4a) variant. This sequence change creates a premature translational stop signal (p.Glu119Glyfs*20) in the CDKN2A (p16INK4a) gene. While this is not anticipated to result in nonsense mediated decay, it is expected to disrupt the last 38 amino acid(s) of the CDKN2A (p16INK4a) protein. This variant is not present in population databases (gnomAD no frequency). This variant has not been reported in the literature in individuals affected with CDKN2A (p16INK4a)-related conditions. This variant is also known as c.399_*7del (p.*133Trpext*24) in CDKN2A (p14ARF) transcript. This variant disrupts a region of the CDKN2A (p16INK4a) protein in which other variant(s) (p.Val126Asp) have been determined to be pathogenic (PMID: 7647780, 7987387, 8668202, 10389768, 20340136, 23371019). This suggests that this is a clinically significant region of the protein, and that variants that disrupt it are likely to be disease-causing. For these reasons, this variant has been classified as Pathogenic. While the evidence indicates that this variant confers risk of developing CDKN2A (p16INK4a)-associated conditions, its association with risk for developing CDKN2A (p14ARF)-associated conditions is still unclear.

Literature cited by the submitters: PubMed 7647780; PubMed 7987387; PubMed 8668202; PubMed 10389768; PubMed 20340136; PubMed 23371019.

NM_000077.5(CDKN2A):c.356_363del (p.Glu119fs)

Gene: CDKN2A (cyclin dependent kinase inhibitor 2A; minus strand). Cytogenetic location: 9p21.3.
Variant type: Deletion.
Coding change: c.356_363del on transcript NM_000077.5; coding-DNA positions 356 to 363, 8 bases deleted (AGGAGCTG; older notation c.356_363delAGGAGCTG).
Protein change: p.Glu119fs; shifts the reading frame from glutamic acid 119.
Molecular consequence: frameshift variant (on NM_000077.6). On other transcripts: stop lost (1), 3 prime UTR variant (1).
Genome position (GRCh38, 1-based): chr9:21,970,996-21,971,003, CAGCTCCT deleted on the plus strand (AGGAGCTG on the coding strand, the reverse complement: CDKN2A is on the minus strand); deleting any 8 consecutive bases within chr9:21,970,996-21,971,007 gives the same sequence; the c. name uses the placement nearest the transcript's 3' end. VCF-style (leftmost placement, unchanged base first): chr9-21970995-CCAGCTCCT-C. GRCh37 (hg19) VCF-style: chr9-21970994-CCAGCTCCT-C.
Other names: c.352_359delGCTGAGGA, p.Glu119Glyfs (NM_000077.6); c.356_363del, p.Glu119fs (NM_001195132.2); c.203_210del, p.Glu68fs (NM_001363763.2); c.399_*7del, p.Ter133TrpextTer? (NM_058195.4); c.*279_*286del (NM_058197.5); short protein forms E119fs, E68fs.
Identifiers: ClinVar variation 3648010 (VCV003648010.2).